The following is an entry in ClinVar:

NM_004187.5(KDM5C):c.2828G>A (p.Arg943Gln)

Gene: KDM5C (lysine demethylase 5C; minus strand). Cytogenetic location: Xp11.22.
Variant type: single nucleotide variant.
Coding change: c.2828G>A on transcript NM_004187.5 (MANE Select); coding-DNA position 2828, G replaced by A.
Protein change: p.Arg943Gln; replaces arginine 943 with glutamine.
Molecular consequence: missense variant. On other transcripts: non-coding transcript variant (3).
Genome position (GRCh38, 1-based): chrX:53,196,839, C>T on the plus strand (G>A on the coding strand, the complement: KDM5C is on the minus strand). VCF-style: chrX-53196839-C-T. GRCh37 (hg19) VCF-style: chrX-53226021-C-T.
Other names: c.2627G>A, p.Arg876Gln (NM_001146702.2); c.2825G>A, p.Arg942Gln (NM_001282622.3, NM_001353979.2, NM_001353982.2); c.2828G>A, p.Arg943Gln (NM_001353978.3, NM_001353981.2, NM_001353984.2); short protein forms R876Q, R943Q, R942Q.
Identifiers: ClinVar variation 3712093 (VCV003712093.2).

ClinVar aggregate classification (germline): Uncertain significance (1 of 4 stars; one submission).

Conditions:
Spastic paraplegia. Identifiers: MedGen C0037772, HP:0001258.

gnomAD v4.1: 18 of 1,208,426 alleles (0.0015%); highest among the groups gnomAD compares: African/African-American, 0.012%; no homozygotes.

Submission:

Labcorp Genetics (formerly Invitae), Labcorp
Classification: Uncertain significance for Spastic paraplegia. Last evaluated: 2024-06-15. Review status: criteria provided, single submitter. Criteria: Invitae Variant Classification Sherloc (09022015). Collection method: clinical testing. Allele origin: germline.
Comment: This sequence change replaces arginine, which is basic and polar, with glutamine, which is neutral and polar, at codon 943 of the KDM5C protein (p.Arg943Gln). The frequency data for this variant in the population databases is considered unreliable, as metrics indicate poor data quality at this position in the gnomAD database. This variant has not been reported in the literature in individuals affected with KDM5C-related conditions. Advanced modeling of protein sequence and biophysical properties (such as structural, functional, and spatial information, amino acid conservation, physicochemical variation, residue mobility, and thermodynamic stability) performed at Invitae indicates that this missense variant is not expected to disrupt KDM5C protein function with a negative predictive value of 95%. In summary, the available evidence is currently insufficient to determine the role of this variant in disease. Therefore, it has been classified as a Variant of Uncertain Significance.